The following is an entry in ClinVar:

ClinVar aggregate classification (germline): Uncertain significance (1 of 4 stars; one submission).

Allele frequency attached by ClinVar (database versions not stated): TOPMed below 0.00001.

Submission:

GeneDx
Classification: Uncertain significance. Last evaluated: 2022-05-05. Review status: criteria provided, single submitter. Criteria: GeneDx Variant Classification Process June 2021. Collection method: clinical testing. Allele origin: germline. Affected: yes.
Comment: Not observed at significant frequency in large population cohorts (gnomAD); In silico analysis supports that this missense variant has a deleterious effect on protein structure/function; Has not been previously published as pathogenic or benign to our knowledge

NM_006514.4(SCN10A):c.1015T>C (p.Phe339Leu)

Gene: SCN10A (sodium voltage-gated channel alpha subunit 10; minus strand). Cytogenetic location: 3p22.2.
Variant type: single nucleotide variant.
Coding change: c.1015T>C on transcript NM_006514.4 (MANE Select); coding-DNA position 1015, T replaced by C.
Protein change: p.Phe339Leu; replaces phenylalanine 339 with leucine.
Molecular consequence: missense variant.
Genome position (GRCh38, 1-based): chr3:38,757,095, A>G on the plus strand (T>C on the coding strand, the complement: SCN10A is on the minus strand). VCF-style: chr3-38757095-A-G. GRCh37 (hg19) VCF-style: chr3-38798586-A-G.
Other names: c.1015T>C, p.Phe339Leu (NM_001293306.2, NM_001293307.2); short protein forms F339L.
Identifiers: ClinVar variation 1723510 (VCV001723510.2), dbSNP rs2063817096, ClinGen allele CA352170164.